The following is an entry in ClinVar:

NM_000465.4(BARD1):c.159-7C>T

Gene: BARD1 (BRCA1 associated RING domain 1; minus strand). Cytogenetic location: 2q35.
Variant type: single nucleotide variant.
Coding change: c.159-7C>T on transcript NM_000465.4 (MANE Select); 7 bases into the intron before coding-DNA position 159, C replaced by T.
Molecular consequence: intron variant.
Genome position (GRCh38, 1-based): chr2:214,797,124, G>A on the plus strand (C>T on the coding strand, the complement: BARD1 is on the minus strand). VCF-style: chr2-214797124-G-A. GRCh37 (hg19) VCF-style: chr2-215661848-G-A.
Other names: c.159-7C>T (LRG_297t1, NM_001282545.2, NM_001282549.2); c.158+12288C>T (NM_001282548.2); c.159-4679C>T (NM_001282543.2).
Identifiers: ClinVar variation 220431 (VCV000220431.21), dbSNP rs533403598, ClinGen allele CA350851.
Genomic context (GRCh38, chr2:214,797,124, plus strand): 5'-CAGAAGATGTGCTCACATCCTCCTAAACACACAGGCTCTCTCAGAATGTTAGTACTGTTT[G>A]AAGAAATTAAAACAATCAAGATTTGAGTCATTGTTAGATAAACATCTCACACCCAATATT-3'

ClinVar aggregate classification (germline): Benign/Likely benign. Review status: criteria provided, multiple submitters, no conflicts (2 of 4 stars). 6 submissions from 6 submitters: Benign (1); Likely benign (4). 1 of the submissions does not count toward it. Last evaluated 2026-01-31.

Conditions:
BARD1-related disorder. Also called: BARD1-related condition.
Hereditary cancer-predisposing syndrome. Also called: Hereditary neoplastic syndrome; Tumor predisposition; Hereditary Cancer Syndrome; Neoplastic Syndromes, Hereditary. Identifiers: Orphanet 140162, MedGen C0027672, MeSH D009386, MONDO:0015356.
Familial cancer of breast. Also called: hereditary breast carcinoma; Hereditary breast cancer; BREAST CANCER, FAMILIAL. Identifiers: Orphanet 227535, MedGen C0346153, MONDO:0016419, OMIM 114480. Disease mechanism: loss of function.

Allele frequency attached by ClinVar (database versions not stated): gnomAD 0.00002; TOPMed 0.00003; 1000 Genomes Project 0.00020; 1000 Genomes Project 30x 0.00031; gnomAD exomes below 0.00001 and 0.00001; ExAC 0.00002.
gnomAD v4.1: 7 of 1,609,996 alleles (0.00043%); highest among the groups gnomAD compares: African/African-American, 0.0053%; no homozygotes.

Submissions (6):

Labcorp Genetics (formerly Invitae), Labcorp
Classification: Likely benign for Familial cancer of breast. Last evaluated: 2026-01-31. Review status: criteria provided, single submitter. Criteria: Invitae Variant Classification Sherloc (09022015). Collection method: clinical testing. Allele origin: germline.

Women's Health and Genetics/Laboratory Corporation of America, LabCorp
Classification: Likely benign. Last evaluated: 2025-04-16. Review status: criteria provided, single submitter. Criteria: LabCorp Variant Classification Summary - May 2015. Collection method: clinical testing. Allele origin: germline.

Myriad Genetics, Inc.
Classification: Benign for Familial cancer of breast. Last evaluated: 2024-07-18. Review status: criteria provided, single submitter. Criteria: Myriad Autosomal Dominant, Autosomal Recessive and X-Linked Classification Criteria (2023). Collection method: clinical testing. Allele origin: unknown.
Comment: This variant is considered benign. This variant is intronic and is not expected to impact mRNA splicing. This variant is strongly associated with less severe personal and family histories of cancer, typical for individuals without pathogenic variants in this gene [PMID: 25085752].

Department of Pathology and Laboratory Medicine, Sinai Health System
Classification: Likely benign for Familial cancer of breast. Last evaluated: 2022-03-22. Review status: criteria provided, single submitter. Criteria: ACMG Guidelines, 2015. Collection method: clinical testing. Allele origin: germline. Affected: yes.

Color Diagnostics, LLC DBA Color Health
Classification: Likely benign for Hereditary cancer-predisposing syndrome. Last evaluated: 2016-02-24. Review status: criteria provided, single submitter. Criteria: ACMG Guidelines, 2015. Collection method: clinical testing. Allele origin: germline.

PreventionGenetics, part of Exact Sciences
Classification: Likely benign for BARD1-related condition. Last evaluated: 2022-09-30. Review status: no assertion criteria provided. Collection method: clinical testing. Allele origin: germline. Not counted in ClinVar's aggregate classification.
Comment: This variant is classified as likely benign based on ACMG/AMP sequence variant interpretation guidelines (Richards et al. 2015 PMID: 25741868, with internal and published modifications).

Literature cited by the submitters: PubMed 25085752 (cited by Myriad Genetics, Inc.).